The following is an entry in ClinVar:

NM_002693.3(POLG):c.3643+48A>G

Gene: POLG (DNA polymerase gamma, catalytic subunit; minus strand). Cytogenetic location: 15q26.1.
Variant type: single nucleotide variant.
Coding change: c.3643+48A>G on transcript NM_002693.3 (MANE Select); 48 bases into the intron after coding-DNA position 3643, A replaced by G.
Molecular consequence: intron variant.
Genome position (GRCh38, 1-based): chr15:89,317,328, T>C on the plus strand (A>G on the coding strand, the complement: POLG is on the minus strand). VCF-style: chr15-89317328-T-C. GRCh37 (hg19) VCF-style: chr15-89860559-T-C.
Other names: c.3643+48A>G (NM_002693.2, NM_001126131.2).
Identifiers: ClinVar variation 619496 (VCV000619496.4), dbSNP rs2307454, ClinGen allele CA7724057.
Genomic context (GRCh38, chr15:89,317,328, plus strand): 5'-GAGTCAAGAGTGGATTCTCTGGGGCCCCAAGTTTCCTGTTCTCCAAGACCCACTTTCTAG[T>C]CCACCTCAGATCCTATGTGTAATGAGGAACAAATGTGTTGTGCTCACCCTGGGGAATCCC-3'

ClinVar aggregate classification (germline): Uncertain significance. Review status: reviewed by expert panel (3 of 4 stars). 4 submissions from 4 submitters: Uncertain significance (1). 3 of the submissions do not count toward it. Last evaluated 2021-05-06.

Conditions:
Progressive sclerosing poliodystrophy (MTDPS4A). Also called: ALPERS PROGRESSIVE INFANTILE POLIODYSTROPHY; Alpers Syndrome; Alpers-Huttenlocher Syndrome; Mitochondrial DNA Depletion Syndrome 4A; Alpers-Huttenlocher Syndrome (AHS); NEURONAL DEGENERATION OF CHILDHOOD WITH LIVER DISEASE, PROGRESSIVE. Identifiers: Orphanet 726, MedGen C0205710, MONDO:0008758, OMIM 203700.
Mitochondrial disease. Also called: Mitochondrial disorders; Mitochondrial disorder. Identifiers: Orphanet 68380, MedGen C0751651, MeSH D028361, MONDO:0044970.

Allele frequency attached by ClinVar (database versions not stated): 1000 Genomes Project 30x 0.01124; TOPMed 0.01280; ESP Exome Variant Server 0.01469; gnomAD 0.01081 and 0.01182; 1000 Genomes Project 0.00998.
gnomAD v4.1: 3,170 of 1,590,846 alleles (0.2%); highest among the groups gnomAD compares: African/African-American, 3.8%; 49 homozygotes.

Submissions (6):

ClinGen Mitochondrial Disease Nuclear and Mitochondrial  Variant Curation Expert Panel, ClinGen
Classification: Uncertain significance for Mitochondrial disease. Last evaluated: 2021-05-06. Review status: reviewed by expert panel. Criteria: ClinGen Mito Disease ACMG Specifications v1. Collection method: curation. Allele origin: germline. Inheritance: Autosomal recessive inheritance.
Comment: The c.3643+48A>G variant in POLG is present in the databases ExAC at 0.003%, gnomAD at 0.004% (PM2; observed < 0.05% frequency). This variant has been observed in 15 homozygotes in gnomAD and 5 homozygotes in ExAC (BS2 criteria met). Computational prediction data limited and no Revel score provided. This variant has not been reported in the literature. In summary, there is not sufficient evidence to characterize this variant as pathogenic or benign, therefore it is characterized as a variant of uncertain significance for primary mitochondrial disease inherited in a autosomal recessive manner. ntDNA Mitochondrial ACMG-AMP Criteria for POLG applied: PM2, BS2.

Mendelics
Classification: Likely benign. Last evaluated: 2022-05-04. Review status: criteria provided, single submitter. Criteria: Mendelics Assertion Criteria 2019. Collection method: clinical testing. Allele origin: germline. Not counted in ClinVar's aggregate classification.

Wong Mito Lab, Molecular and Human Genetics, Baylor College of Medicine
Classification: Benign for Progressive sclerosing poliodystrophy. Last evaluated: 2018-10-01. Review status: criteria provided, single submitter. Criteria: ACMG Guidelines, 2015. Collection method: clinical testing. Allele origin: germline. Not counted in ClinVar's aggregate classification.
Comment: The NM_002693.2:c.3643+48A>G (NP_002684.1:p.=) [GRCH38: NC_000015.10:g.89317328T>C] variant in POLG gene is interpretated to be a Benign based on ACMG guidelines (PMID: 25741868). This variant meets the following evidence codes reported in the ACMG-guideline. BS1:The minor allele frequency of this allele is high for Mitochondrial DNA depletion syndrome 4A (Alpers type). BS2:Observation of the variant in controls is inconsistent with penetrance of Mitochondrial DNA depletion syndrome 4A (Alpers type). BP4:Computational evidence/predictors indicate no impact on the POLG structure, function, or protein-protein interaction. Based on the evidence criteria codes applied, the variant is suggested to be Benign.

GeneDx
Classification: Likely benign. Last evaluated: 2018-06-16. Review status: criteria provided, single submitter. Criteria: GeneDx Variant Classification (06012015). Collection method: clinical testing. Allele origin: germline. Affected: yes. Not counted in ClinVar's aggregate classification.
Comment: This variant is considered likely benign or benign based on one or more of the following criteria: it is a conservative change, it occurs at a poorly conserved position in the protein, it is predicted to be benign by multiple in silico algorithms, and/or has population frequency not consistent with disease.

Dr. Peter K. Rogan Lab, Western University
No classification provided (evidence only). Condition: Uterine corpus endometrial carcinoma. Review status: no classification provided. Collection method: in vitro. Allele origin: not applicable. Functional consequence: skipped exon. Not counted in ClinVar's aggregate classification.

Dr. Peter K. Rogan Lab, Western University
No classification provided (evidence only). Condition: Uterine carcinosarcoma. Review status: no classification provided. Collection method: in vitro. Allele origin: not applicable. Functional consequence: retained intron. Not counted in ClinVar's aggregate classification.